The following is an entry in ClinVar:

ClinVar aggregate classification (germline): Benign/Likely benign. Review status: criteria provided, multiple submitters, no conflicts (2 of 4 stars). 3 submissions from 3 submitters: Benign (1); Likely benign (1). 1 of the submissions does not count toward it. Last evaluated 2026-01-28.

Conditions:
FAT2-related disorder. Also called: FAT2-related condition.

Allele frequency attached by ClinVar (database versions not stated): TOPMed 0.00011; gnomAD 0.00017; ESP Exome Variant Server 0.00023; gnomAD exomes 0.00028; ExAC 0.00064; 1000 Genomes Project 30x 0.00078; 1000 Genomes Project 0.00100.
gnomAD v4.1: 435 of 1,614,178 alleles (0.027%); highest among the groups gnomAD compares: South Asian, 0.4%; 5 homozygotes.

Submissions (3):

Labcorp Genetics (formerly Invitae), Labcorp
Classification: Benign. Last evaluated: 2026-01-28. Review status: criteria provided, single submitter. Criteria: Invitae Variant Classification Sherloc (09022015). Collection method: clinical testing. Allele origin: germline.

Blueprint Genetics
Classification: Likely benign. Last evaluated: 2024-07-15. Review status: criteria provided, single submitter. Criteria: ACMG Guidelines, 2015. Collection method: clinical testing. Allele origin: germline.

PreventionGenetics, part of Exact Sciences
Classification: Likely benign for FAT2-related condition. Last evaluated: 2019-06-28. Review status: no assertion criteria provided. Collection method: clinical testing. Allele origin: germline. Not counted in ClinVar's aggregate classification.
Comment: This variant is classified as likely benign based on ACMG/AMP sequence variant interpretation guidelines (Richards et al. 2015 PMID: 25741868, with internal and published modifications).

NM_001447.3(FAT2):c.4614C>T (p.Phe1538=)

Genes: FAT2 (FAT atypical cadherin 2; minus strand), SLC36A1 (solute carrier family 36 member 1; plus strand). Cytogenetic location: 5q33.1.
Variant type: single nucleotide variant.
Coding change: c.4614C>T on transcript NM_001447.3 (MANE Select); coding-DNA position 4614, C replaced by T.
Protein change: p.Phe1538=; no amino-acid change (phenylalanine 1538 retained).
Molecular consequence: synonymous variant.
Genome position (GRCh38, 1-based): chr5:151,549,470, G>A on the plus strand (C>T on the coding strand, the complement: FAT2 is on the minus strand). VCF-style: chr5-151549470-G-A. GRCh37 (hg19) VCF-style: chr5-150929031-G-A.
Other names: c.4614C>T (NM_001447.2).
Identifiers: ClinVar variation 2857627 (VCV002857627.6), dbSNP rs145042858, ClinGen allele CA3521496.